The following is an entry in ClinVar:

ClinVar aggregate classification (germline): Uncertain significance (1 of 4 stars; one submission).

Conditions:
Leukodystrophy, hypomyelinating, 10. Also called: PYCR2-related microcephaly-progressive leukoencephalopathy. Identifiers: Orphanet 481152, MedGen C4225332, MONDO:0014632, OMIM 616420.

Submission:

Baylor Genetics
Classification: Uncertain significance for Leukodystrophy, hypomyelinating, 10. Last evaluated: 2018-02-19. Review status: criteria provided, single submitter. Criteria: ACMG Guidelines, 2015. Collection method: clinical testing. Allele origin: paternal. Affected: yes.
Comment: This variant was determined to be of uncertain significance according to ACMG Guidelines, 2015 [PMID:25741868].

NM_013328.4(PYCR2):c.678G>T (p.Gln226His)

Gene: PYCR2 (pyrroline-5-carboxylate reductase 2; minus strand). Cytogenetic location: 1q42.12.
Variant type: single nucleotide variant.
Coding change: c.678G>T on transcript NM_013328.4 (MANE Select); coding-DNA position 678, G replaced by T.
Protein change: p.Gln226His; replaces glutamine 226 with histidine.
Molecular consequence: missense variant.
Genome position (GRCh38, 1-based): chr1:225,921,327, C>A on the plus strand (G>T on the coding strand, the complement: PYCR2 is on the minus strand). VCF-style: chr1-225921327-C-A. GRCh37 (hg19) VCF-style: chr1-226109027-C-A.
Other names: c.456G>T, p.Gln152His (NM_001271681.2); short protein forms Q152H, Q226H.
Identifiers: ClinVar variation 1032575 (VCV001032575.1), dbSNP rs1671830683, ClinGen allele CA345005112.